The following is an entry in ClinVar:

NM_020964.3(EPG5):c.3487C>T (p.Gln1163Ter)

Gene: EPG5 (ectopic P-granules 5 autophagy tethering factor; minus strand). Cytogenetic location: 18q21.1.
Variant type: single nucleotide variant.
Coding change: c.3487C>T on transcript NM_020964.3 (MANE Select); coding-DNA position 3487, C replaced by T.
Protein change: p.Gln1163Ter; replaces glutamine 1163 with a stop codon.
Molecular consequence: nonsense.
Genome position (GRCh38, 1-based): chr18:45,916,104, G>A on the plus strand (C>T on the coding strand, the complement: EPG5 is on the minus strand). VCF-style: chr18-45916104-G-A. GRCh37 (hg19) VCF-style: chr18-43496069-G-A.
Other names: c.3487C>T, p.Gln1163Ter (NM_001410858.1, NM_001410859.1); short protein forms Q1163*.
Identifiers: ClinVar variation 2751797 (VCV002751797.3), dbSNP rs759405296, ClinGen allele CA402342378.

ClinVar aggregate classification (germline): Pathogenic (1 of 4 stars; one submission).

Conditions:
Vici syndrome (VICIS). Identifiers: Orphanet 1493, MedGen C1855772, MONDO:0009452, OMIM 242840.

Submission:

Labcorp Genetics (formerly Invitae), Labcorp
Classification: Pathogenic for Vici syndrome. Last evaluated: 2023-08-10. Review status: criteria provided, single submitter. Criteria: Invitae Variant Classification Sherloc (09022015). Collection method: clinical testing. Allele origin: germline.
Comment: For these reasons, this variant has been classified as Pathogenic. This variant has not been reported in the literature in individuals affected with EPG5-related conditions. This variant is not present in population databases (gnomAD no frequency). This sequence change creates a premature translational stop signal (p.Gln1163*) in the EPG5 gene. It is expected to result in an absent or disrupted protein product. Loss-of-function variants in EPG5 are known to be pathogenic (PMID: 23222957, 23674064).

Literature cited by the submitters: PubMed 23222957; PubMed 23674064.